The following is an entry in ClinVar:

ClinVar aggregate classification (germline): Pathogenic/Likely pathogenic. Review status: criteria provided, multiple submitters, no conflicts (2 of 4 stars). 14 submissions from 14 submitters: Pathogenic (9); Likely pathogenic (3). 2 of the submissions do not count toward it. Last evaluated 2026-08-06.

Conditions:
Usher syndrome. Also called: Usher Syndromes; Usher's syndrome. Identifiers: Orphanet 886, MedGen CN469326, MeSH D052245, MONDO:0019501. Disease mechanism: loss of function.
Usher syndrome type 1 (USH1). Also called: RETINITIS PIGMENTOSA AND CONGENITAL DEAFNESS. Identifiers: Orphanet 231169, Orphanet 886, MedGen C1568247, MONDO:0010168, OMIM 276900.
Autosomal recessive nonsyndromic hearing loss 2. Also called: NEUROSENSORY NONSYNDROMIC RECESSIVE DEAFNESS 2; DEAFNESS, AUTOSOMAL RECESSIVE 2. Identifiers: Orphanet 90636, MedGen C1838701, MONDO:0010807, OMIM 600060.
MYO7A-related disorder. Also called: MYO7A-related disorders.
Rare genetic deafness. Identifiers: Orphanet 96210, MedGen C5680250.
Autosomal dominant nonsyndromic hearing loss 11. Identifiers: Orphanet 90635, MedGen C1832475, MONDO:0011032, OMIM 601317.
Usher syndrome type 1B (USH1B). Also called: Usher syndrome type IB. Identifiers: MedGen C1848638, MONDO:0700087.

Allele frequency attached by ClinVar (database versions not stated): gnomAD exomes below 0.00001; TOPMed below 0.00001; gnomAD 0.00001.

Submissions (14):

Department of Molecular Genetics, Istishari Arab Hospital
Classification: Pathogenic for Autosomal recessive nonsyndromic hearing loss 2; Usher syndrome type 1. Last evaluated: 2026-08-06. Review status: criteria provided, single submitter. Criteria: ACMG Guidelines, 2015. Collection method: clinical testing. Allele origin: germline. Inheritance: Autosomal recessive inheritance. Affected: yes.
Comment: The MYO7A variant c.3892G>A, p.Gly1298Arg creates an amino acid change from Gly to Arg at position 1298 in exon 30 (out of 49). This variant was previously reported in patients with autosomal recessive MYO7A-related disorders (PMID: 29490346, 31479088, 37217489, 38884554). It is classified as pathogenic according to the recommendations of ACMG/AMP/ClinGen SVI guidelines.

Natera, Inc.
Classification: Pathogenic for Usher syndrome type 1B. Last evaluated: 2025-12-25. Review status: criteria provided, single submitter. Criteria: Natera Variant Classification Schema (03/2026). Collection method: clinical testing. Allele origin: germline.
Comment: The c.3892G>A variant in MYO7A is a missense variant predicted to cause substitution of glycine to arginine at amino acid 1298. This variant is rare in the general population with a frequency below the threshold expected for the associated phenotype(s). This variant has been observed in one or more individuals affected with the associated recessive disease, as either homozygous or compound heterozygous with a second variant (PMID: 37217489, 38884554, 31479088, 29490346). Additionally, this variant has been observed to segregate in affected family members (PMID: 29490346). Computational prediction algorithms indicate this variant is likely to affect gene or protein function. Given the available evidence, this variant is classified as Pathogenic.

3billion
Classification: Pathogenic for Usher syndrome type 1. Last evaluated: 2024-12-23. Review status: criteria provided, single submitter. Criteria: ACMG Guidelines, 2015. Collection method: clinical testing. Allele origin: germline. Affected: yes.
Comment: The variant is observed at an extremely low frequency in the gnomAD v4.1.0 dataset (total allele frequency: <0.001%). Predicted Consequence/Location: Missense variant In silico tool predictions suggest damaging effect of the variant on gene or gene product [REVEL: 0.88 (>=0.6, sensitivity 0.68 and specificity 0.92); 3Cnet: 0.95 (>=0.6, sensitivity 0.72 and precision 0.9)]. The same nucleotide change resulting in the same amino acid change has been previously reported as pathogenic/likely pathogenic with strong evidence (ClinVar ID: VCV000164693 /PMID: 29490346). The variant has been reported to be in trans with a pathogenic variant as either compound heterozygous or homozygous in at least one similarly affected unrelated individual (PMID: 29490346). A different missense change at the same codon (p.Gly1298Glu) has been reported to be associated with MYO7A-related disorder (ClinVar ID: VCV001799548 /PMID: 36555390). Therefore, this variant is classified as Pathogenic according to the recommendation of ACMG/AMP guideline.

Labcorp Genetics (formerly Invitae), Labcorp
Classification: Pathogenic. Last evaluated: 2024-12-16. Review status: criteria provided, single submitter. Criteria: Invitae Variant Classification Sherloc (09022015). Collection method: clinical testing. Allele origin: germline.
Comment: This sequence change replaces glycine, which is neutral and non-polar, with arginine, which is basic and polar, at codon 1298 of the MYO7A protein (p.Gly1298Arg). This variant is not present in population databases (gnomAD no frequency). This missense change has been observed in individuals with Usher syndrome (PMID: 29490346). It has also been observed to segregate with disease in related individuals. ClinVar contains an entry for this variant (Variation ID: 164693). Invitae Evidence Modeling of protein sequence and biophysical properties (such as structural, functional, and spatial information, amino acid conservation, physicochemical variation, residue mobility, and thermodynamic stability) indicates that this missense variant is expected to disrupt MYO7A protein function with a positive predictive value of 95%. For these reasons, this variant has been classified as Pathogenic.

CeGaT Center for Human Genetics Tuebingen
Classification: Pathogenic. Last evaluated: 2024-10-01. Review status: criteria provided, single submitter. Criteria: CeGaT Center For Human Genetics Tuebingen Variant Classification Criteria Version 2. Collection method: clinical testing. Allele origin: germline. Affected: yes. Observed: 1 variant allele.
Comment: MYO7A: PM3:Very Strong, PP1:Strong, PM2, PM5, PP3

Blueprint Genetics
Classification: Pathogenic for MYO7A-related disorders. Last evaluated: 2024-08-28. Review status: criteria provided, single submitter. Criteria: ACMG Guidelines, 2015. Collection method: clinical testing. Allele origin: germline. Affected: yes. Observed: 2 variant alleles.

Institute of Medical Genetics and Applied Genomics, University Hospital Tübingen
Classification: Pathogenic for Usher syndrome. Last evaluated: 2024-08-01. Review status: criteria provided, single submitter. Criteria: ACMG Guidelines, 2015. Collection method: clinical testing. Allele origin: germline. Inheritance: Autosomal recessive inheritance. Affected: yes.

Fulgent Genetics
Classification: Likely pathogenic for Usher syndrome type 1; Autosomal recessive nonsyndromic hearing loss 2; Autosomal dominant nonsyndromic hearing loss 11. Last evaluated: 2024-02-22. Review status: criteria provided, single submitter. Criteria: ACMG Guidelines, 2015. Collection method: clinical testing. Allele origin: germline.

Revvity Omics, Revvity
Classification: Pathogenic. Last evaluated: 2022-03-24. Review status: criteria provided, single submitter. Criteria: ACMG Guidelines, 2015. Collection method: clinical testing. Allele origin: germline.

King Laboratory, University of Washington
Classification: Likely pathogenic for Autosomal recessive nonsyndromic hearing loss 2. Last evaluated: 2020-08-01. Review status: criteria provided, single submitter. Criteria: Abu Rayyan A et al. (Proc Natl Acad Sci U S A 2020). Collection method: research. Allele origin: germline. Affected: yes.
Comment: MYO7A c.3892G>A, p.G1298R alters a residue that is completely conserved in all sequenced vertebrates. The variant is heterozygous in 2/1300 Palestinian controls and absent from gnomAD v2.1.1. 2

Laboratory for Molecular Medicine, Mass General Brigham Personalized Medicine
Classification: Likely pathogenic for Rare genetic deafness. Last evaluated: 2017-07-17. Review status: criteria provided, single submitter. Criteria: LMM Criteria. Collection method: clinical testing. Allele origin: germline. Inheritance: Autosomal recessive inheritance. Observed: 3 variant alleles.
Comment: proposed classification - variant undergoing re-assessment, contact laboratory

Juno Genomics, Hangzhou Juno Genomics, Inc
Classification: Pathogenic for Usher syndrome type 1. Review status: criteria provided, single submitter. Criteria: ACMG Guidelines, 2015. Collection method: clinical testing. Allele origin: germline.
Comment: Absent from controls (or at extremely low frequency if recessive) in Genome Aggregation Database.;Multiple lines of computational evidence support a deleterious effect on the gene or gene product.;For recessive disorders, detected in trans with a pathogenic variant.;Co-segregation with disease in multiple affected family members.

Sharon lab, Hadassah-Hebrew University Medical Center
Classification: Likely pathogenic for Usher syndrome type 1. Last evaluated: 2019-06-23. Review status: no assertion criteria provided. Collection method: research. Allele origin: inherited. Affected: yes. Not counted in ClinVar's aggregate classification.

Bioscientia Institut fuer Medizinische Diagnostik GmbH, Sonic Healthcare
Classification: Pathogenic for Usher syndrome type 1. Last evaluated: 2017-04-20. Review status: no assertion criteria provided. Collection method: clinical testing. Allele origin: germline. Affected: yes. Not counted in ClinVar's aggregate classification.

Literature cited by the submitters: PubMed 29490346 (cited by 4 submitters); PubMed 31479088 (cited by Department of Molecular Genetics, Istishari Arab Hospital and Natera, Inc.); PubMed 37217489 (cited by Department of Molecular Genetics, Istishari Arab Hospital and Natera, Inc.); PubMed 38884554 (cited by Department of Molecular Genetics, Istishari Arab Hospital and Natera, Inc.); PubMed 36555390 (cited by 3billion).

NM_000260.4(MYO7A):c.3892G>A (p.Gly1298Arg)

Gene: MYO7A (myosin VIIA; plus strand). Cytogenetic location: 11q13.5.
Variant type: single nucleotide variant.
Coding change: c.3892G>A on transcript NM_000260.4 (MANE Select); coding-DNA position 3892, G replaced by A.
Protein change: p.Gly1298Arg; replaces glycine 1298 with arginine.
Molecular consequence: missense variant.
Genome position (GRCh38, 1-based): chr11:77,190,838, G>A. VCF-style: chr11-77190838-G-A. GRCh37 (hg19) VCF-style: chr11-76901883-G-A.
Other names: c.3892G>A, p.Gly1298Arg (NM_001127180.2); c.3859G>A, p.Gly1287Arg (NM_001369365.1); short protein forms G1298R, G1287R.
Identifiers: ClinVar variation 164693 (VCV000164693.40), dbSNP rs727503329, ClinGen allele CA278722.